The following is an entry in ClinVar:

NM_000043.6(FAS):c.666A>G (p.Ile222Met)

Gene: FAS (Fas cell surface death receptor; plus strand). Cytogenetic location: 10q23.31.
Variant type: single nucleotide variant.
Coding change: c.666A>G on transcript NM_000043.6 (MANE Select); coding-DNA position 666, A replaced by G.
Protein change: p.Ile222Met; replaces isoleucine 222 with methionine.
Molecular consequence: missense variant. On other transcripts: non-coding transcript variant (7), intron variant (1).
Genome position (GRCh38, 1-based): chr10:89,013,357, A>G. VCF-style: chr10-89013357-A-G. GRCh37 (hg19) VCF-style: chr10-90773114-A-G.
Other names: c.583A>G, p.Lys195Glu (NM_001320619.2); c.603A>G, p.Ile201Met (NM_152871.4); c.652-762A>G (NM_152872.4); short protein forms I222M, I201M, K195E.
Identifiers: ClinVar variation 855154 (VCV000855154.9), dbSNP rs767806688, ClinGen allele CA5593192.

ClinVar aggregate classification (germline): Uncertain significance (1 of 4 stars; one submission).

Conditions:
Autoimmune lymphoproliferative syndrome type 1. Also called: AUTOIMMUNE LYMPHOPROLIFERATIVE SYNDROME, TYPE I, AUTOSOMAL DOMINANT. Identifiers: Orphanet 3261, MedGen C2717884, MONDO:0011158, OMIM 601859.

Allele frequency attached by ClinVar (database versions not stated): gnomAD 0.00001; gnomAD exomes 0.00001 and below 0.00001; TOPMed below 0.00001; ExAC 0.00001.
gnomAD v4.1: 7 of 1,611,914 alleles (0.00043%); highest among the groups gnomAD compares: Non-Finnish European, 0.00059%; no homozygotes.

Submission:

Labcorp Genetics (formerly Invitae), Labcorp
Classification: Uncertain significance for Autoimmune lymphoproliferative syndrome. Last evaluated: 2022-05-31. Review status: criteria provided, single submitter. Criteria: Invitae Variant Classification Sherloc (09022015). Collection method: clinical testing. Allele origin: germline.
Comment: Algorithms developed to predict the effect of missense changes on protein structure and function output the following: SIFT: "Not Available"; PolyPhen-2: "Benign"; Align-GVGD: "Not Available". The methionine amino acid residue is found in multiple mammalian species, which suggests that this missense change does not adversely affect protein function. This variant is present in population databases (rs767806688, gnomAD 0.002%). This variant has not been reported in the literature in individuals affected with FAS-related conditions. ClinVar contains an entry for this variant (Variation ID: 855154). In summary, the available evidence is currently insufficient to determine the role of this variant in disease. Therefore, it has been classified as a Variant of Uncertain Significance. This sequence change replaces isoleucine, which is neutral and non-polar, with methionine, which is neutral and non-polar, at codon 222 of the FAS protein (p.Ile222Met).